The following is an entry in ClinVar:

NM_022124.6(CDH23):c.9437C>A (p.Ala3146Glu)

Gene: CDH23 (cadherin related 23; plus strand). Cytogenetic location: 10q22.1.
Variant type: single nucleotide variant.
Coding change: c.9437C>A on transcript NM_022124.6 (MANE Select); coding-DNA position 9437, C replaced by A.
Protein change: p.Ala3146Glu; replaces alanine 3146 with glutamic acid.
Molecular consequence: missense variant.
Genome position (GRCh38, 1-based): chr10:71,812,536, C>A. VCF-style: chr10-71812536-C-A. GRCh37 (hg19) VCF-style: chr10-73572293-C-A.
Other names: c.2717C>A, p.Ala906Glu (NM_001171933.1, NM_001171934.1); c.128C>A, p.Ala43Glu (NM_001171935.1, NM_001171936.1); short protein forms A3146E, A43E, A906E.
Identifiers: ClinVar variation 1005976 (VCV001005976.5), dbSNP rs779480321, ClinGen allele CA377136581.

ClinVar aggregate classification (germline): Uncertain significance. Review status: criteria provided, multiple submitters, no conflicts (2 of 4 stars). 3 submissions from 3 submitters: Uncertain significance (2). 1 of the submissions does not count toward it. Last evaluated 2025-10-03.

Conditions:
Usher syndrome type 1 (USH1). Also called: RETINITIS PIGMENTOSA AND CONGENITAL DEAFNESS. Identifiers: Orphanet 231169, Orphanet 886, MedGen C1568247, MONDO:0010168, OMIM 276900.

gnomAD v4.1: 2 of 1,613,474 alleles (0.00012%); highest among the groups gnomAD compares: Admixed American, 0.0017%; no homozygotes.

Submissions (3):

Labcorp Genetics (formerly Invitae), Labcorp
Classification: Uncertain significance. Last evaluated: 2025-10-03. Review status: criteria provided, single submitter. Criteria: Invitae Variant Classification Sherloc (09022015). Collection method: clinical testing. Allele origin: germline.
Comment: This sequence change replaces alanine, which is neutral and non-polar, with glutamic acid, which is acidic and polar, at codon 3146 of the CDH23 protein (p.Ala3146Glu). This variant is present in population databases (no rsID available, gnomAD 0.003%). This variant has not been reported in the literature in individuals affected with CDH23-related conditions. ClinVar contains an entry for this variant (Variation ID: 1005976). Invitae Evidence Modeling of protein sequence and biophysical properties (such as structural, functional, and spatial information, amino acid conservation, physicochemical variation, residue mobility, and thermodynamic stability) has been performed for this missense variant. However, the output from this modeling did not meet the statistical confidence thresholds required to predict the impact of this variant on CDH23 protein function. In summary, the available evidence is currently insufficient to determine the role of this variant in disease. Therefore, it has been classified as a Variant of Uncertain Significance.

Blueprint Genetics
Classification: Uncertain significance. Last evaluated: 2021-09-06. Review status: criteria provided, single submitter. Criteria: ACMG Guidelines, 2015. Collection method: clinical testing. Allele origin: germline.

Natera, Inc.
Classification: Uncertain significance for Usher syndrome type 1. Last evaluated: 2020-03-10. Review status: no assertion criteria provided. Collection method: clinical testing. Allele origin: germline. Not counted in ClinVar's aggregate classification.